The following is an entry in ClinVar:

NM_177438.3(DICER1):c.3203A>T (p.Glu1068Val)

Gene: DICER1 (dicer 1, ribonuclease III; minus strand). Cytogenetic location: 14q32.13.
Variant type: single nucleotide variant.
Coding change: c.3203A>T on transcript NM_177438.3 (MANE Select); coding-DNA position 3203, A replaced by T.
Protein change: p.Glu1068Val; replaces glutamic acid 1068 with valine.
Molecular consequence: missense variant. On other transcripts: non-coding transcript variant (6).
Genome position (GRCh38, 1-based): chr14:95,105,137, T>A on the plus strand (A>T on the coding strand, the complement: DICER1 is on the minus strand). VCF-style: chr14-95105137-T-A. GRCh37 (hg19) VCF-style: chr14-95571474-T-A.
Other names: c.3203A>T, p.Glu1068Val (NM_001195573.1, NM_001271282.3, NM_001291628.2 and 13 more transcripts); c.2921A>T, p.Glu974Val (NM_001395686.1); c.2798A>T, p.Glu933Val (NM_001395687.1, NM_001395688.1, NM_001395689.1 and 2 more transcripts); c.2636A>T, p.Glu879Val (NM_001395691.1); c.1520A>T, p.Glu507Val (NM_001395697.1); short protein forms E1068V, E933V, E974V, E507V, E879V.
Identifiers: ClinVar variation 2866792 (VCV002866792.3), dbSNP rs2542753362, ClinGen allele CA390876531.
Genomic context (GRCh38, chr14:95,105,137, plus strand): 5'-TCCGCAGGAAGTGATCTGACTCCCACGCCAGCATCGCTGGCAGTCTGGGCTCTTAGCTCC[T>A]CTGCAGTCAAAAGGCAGTGAAGGCGATAAAGTATGCTGGGGAGACAAACAGCTTTTCTCC-3'
Protein context (NP_803187.1, residues 1058-1078): LYRLHCLLTA[Glu1068Val]ELRAQTASDA

ClinVar aggregate classification (germline): Uncertain significance (1 of 4 stars; one submission).

Conditions:
DICER1-related tumor predisposition. Also called: DICER1-related pleuropulmonary blastoma cancer predisposition syndrome; DICER1 syndrome. Identifiers: Orphanet 284343, MedGen C3839822, MONDO:0100216.

Submission:

Labcorp Genetics (formerly Invitae), Labcorp
Classification: Uncertain significance for DICER1-related tumor predisposition. Last evaluated: 2023-05-22. Review status: criteria provided, single submitter. Criteria: Invitae Variant Classification Sherloc (09022015). Collection method: clinical testing. Allele origin: germline.
Comment: Advanced modeling of protein sequence and biophysical properties (such as structural, functional, and spatial information, amino acid conservation, physicochemical variation, residue mobility, and thermodynamic stability) performed at Invitae indicates that this missense variant is expected to disrupt DICER1 protein function. In summary, the available evidence is currently insufficient to determine the role of this variant in disease. Therefore, it has been classified as a Variant of Uncertain Significance. This variant has not been reported in the literature in individuals affected with DICER1-related conditions. This variant is not present in population databases (gnomAD no frequency). This sequence change replaces glutamic acid, which is acidic and polar, with valine, which is neutral and non-polar, at codon 1068 of the DICER1 protein (p.Glu1068Val).